The following is an entry in ClinVar:

ClinVar aggregate classification (germline): Pathogenic (1 of 4 stars; one submission).

Conditions:
Familial thoracic aortic aneurysm and aortic dissection (TAAD). Also called: Thoracic aortic aneurysms and dissections. Identifiers: Orphanet 91387, MedGen C4707243, MONDO:0019625.
Hereditary cancer-predisposing syndrome. Also called: Neoplastic Syndromes, Hereditary; Tumor predisposition; Hereditary Cancer Syndrome; Hereditary neoplastic syndrome. Identifiers: Orphanet 140162, MedGen C0027672, MeSH D009386, MONDO:0015356.

Submission:

Ambry Genetics
Classification: Pathogenic for Hereditary cancer-predisposing syndrome; Familial thoracic aortic aneurysm and aortic dissection. Last evaluated: 2025-06-06. Review status: criteria provided, single submitter. Criteria: Ambry Variant Classification Scheme 2023. Collection method: clinical testing. Allele origin: germline.
Comment: The c.1239_1242delCTTA pathogenic mutation, located in coding exon 9 of the SMAD4 gene, results from a deletion of 4 nucleotides at nucleotide positions 1239 to 1242, causing a translational frameshift with a predicted alternate stop codon (p.Y413*). This variant is considered to be rare based on population cohorts in the Genome Aggregation Database (gnomAD). This alteration is expected to result in loss of function by premature protein truncation or nonsense-mediated mRNA decay. As such, this alteration is interpreted as a disease-causing mutation.

NM_005359.6(SMAD4):c.1239_1242del (p.Tyr412_Tyr413insTer)

Gene: SMAD4 (SMAD family member 4; plus strand). Cytogenetic location: 18q21.2.
Variant type: Deletion.
Coding change: c.1239_1242del on transcript NM_005359.6 (MANE Select); coding-DNA positions 1239 to 1242, 4 bases deleted (CTTA; older notation c.1239_1242delCTTA).
Protein change: p.Tyr412_Tyr413insTer.
Molecular consequence: nonsense. On other transcripts: frameshift variant (2).
Genome position (GRCh38, 1-based): chr18:51,067,118-51,067,121, CTTA deleted; deleting any 4 consecutive bases within chr18:51,067,116-51,067,121 gives the same sequence; the c. name uses the placement nearest the transcript's 3' end. VCF-style (leftmost placement, unchanged base first): chr18-51067115-CTACT-C. GRCh37 (hg19) VCF-style: chr18-48593485-CTACT-C.
Other names: c.1239_1242delCTTA, p.Tyr413Terfs (NM_001407041.1, NM_001407042.1).
Identifiers: ClinVar variation 1757479 (VCV001757479.3), dbSNP rs2511384720, ClinGen allele CA2580095828.